The following is an entry in ClinVar:

NM_031407.7(HUWE1):c.6866A>T (p.Asn2289Ile)

Gene: HUWE1 (HECT, UBA and WWE domain containing E3 ubiquitin protein ligase 1; minus strand). Cytogenetic location: Xp11.22.
Variant type: single nucleotide variant.
Coding change: c.6866A>T on transcript NM_031407.7 (MANE Select); coding-DNA position 6866, A replaced by T.
Protein change: p.Asn2289Ile; replaces asparagine 2289 with isoleucine.
Molecular consequence: missense variant.
Genome position (GRCh38, 1-based): chrX:53,565,081, T>A on the plus strand (A>T on the coding strand, the complement: HUWE1 is on the minus strand). VCF-style: chrX-53565081-T-A. GRCh37 (hg19) VCF-style: chrX-53592042-T-A.
Other names: short protein forms N2289I.
Identifiers: ClinVar variation 1878546 (VCV001878546.1), dbSNP rs2524208170, ClinGen allele CA413162107.

ClinVar aggregate classification (germline): Uncertain significance (1 of 4 stars; one submission).

Conditions:
Intellectual developmental disorder, X-linked, syndromic, Turner type. Also called: X-linked intellectual disability, Turner type; Intellectual disability, X-linked syndromic, Turner type. Identifiers: Orphanet 3056, Orphanet 85328, MedGen C2678046, MONDO:0010407, OMIM 309590.

Submission:

Neuberg Centre For Genomic Medicine, NCGM
Classification: Uncertain significance for Intellectual developmental disorder, X-linked, syndromic, Turner type. Review status: criteria provided, single submitter. Criteria: ACMG Guidelines, 2015. Collection method: clinical testing. Allele origin: germline. Affected: yes.
Comment: The amino acid Asn at position 2289 is changed to a Ile changing protein sequence and it might alter its composition and physico-chemical properties. This variant has not been reported in affected individuals. The variant is predicted to be damaging by SIFT and the residue is conserved across species. The amino acid change p.Asn2289Ile in HUWE1 is predicted as conserved by GERP++ and PhyloP across 100 vertebrates. The p.Asn2289Ile variant is novel (not in any individuals) in gnomAD Exomes and 1000 Genomes. This variant is classified as uncertain significance as per ACMG guidelines